The following is an entry in ClinVar:

ClinVar aggregate classification (germline): Benign/Likely benign. Review status: criteria provided, multiple submitters, no conflicts (2 of 4 stars). 2 submissions from 2 submitters: Benign (1); Likely benign (1). Last evaluated 2024-09-04.

Conditions:
Hereditary cancer-predisposing syndrome. Also called: Tumor predisposition; Hereditary neoplastic syndrome; Hereditary Cancer Syndrome; Neoplastic Syndromes, Hereditary. Identifiers: Orphanet 140162, MedGen C0027672, MeSH D009386, MONDO:0015356.
Familial cancer of breast. Also called: hereditary breast carcinoma; Hereditary breast cancer; BREAST CANCER, FAMILIAL. Identifiers: Orphanet 227535, MedGen C0346153, MONDO:0016419, OMIM 114480. Disease mechanism: loss of function.

Submissions (2):

Myriad Genetics, Inc.
Classification: Benign for Familial cancer of breast. Last evaluated: 2024-09-04. Review status: criteria provided, single submitter. Criteria: Myriad Autosomal Dominant, Autosomal Recessive and X-Linked Classification Criteria (2023). Collection method: clinical testing. Allele origin: unknown.
Comment: This variant is considered benign. This variant is a silent/synonymous amino acid change and it is not expected to impact splicing.

Color Diagnostics, LLC DBA Color Health
Classification: Likely benign for Hereditary cancer-predisposing syndrome. Last evaluated: 2020-07-14. Review status: criteria provided, single submitter. Criteria: ACMG Guidelines, 2015. Collection method: clinical testing. Allele origin: germline.

NM_032043.3(BRIP1):c.2262A>C (p.Gly754=)

Gene: BRIP1 (BRCA1 interacting DNA helicase 1; minus strand). Cytogenetic location: 17q23.2.
Variant type: single nucleotide variant.
Coding change: c.2262A>C on transcript NM_032043.3 (MANE Select); coding-DNA position 2262, A replaced by C.
Protein change: p.Gly754=; no amino-acid change (glycine 754 retained).
Molecular consequence: synonymous variant.
Genome position (GRCh38, 1-based): chr17:61,743,130, T>G on the plus strand (A>C on the coding strand, the complement: BRIP1 is on the minus strand). VCF-style: chr17-61743130-T-G. GRCh37 (hg19) VCF-style: chr17-59820491-T-G.
Identifiers: ClinVar variation 1172146 (VCV001172146.3), dbSNP rs1060504324, ClinGen allele CA501151161.